The following is an entry in ClinVar:

NM_001197104.2(KMT2A):c.9618G>T (p.Gln3206His)

Gene: KMT2A (lysine methyltransferase 2A; plus strand). Cytogenetic location: 11q23.3.
Variant type: single nucleotide variant.
Coding change: c.9618G>T on transcript NM_001197104.2 (MANE Select); coding-DNA position 9618, G replaced by T.
Protein change: p.Gln3206His; replaces glutamine 3206 with histidine.
Molecular consequence: missense variant.
Genome position (GRCh38, 1-based): chr11:118,505,510, G>T. VCF-style: chr11-118505510-G-T. GRCh37 (hg19) VCF-style: chr11-118376225-G-T.
Other names: c.9708G>T, p.Gln3236His (NM_001412597.1); c.9609G>T, p.Gln3203His (NM_005933.4); short protein forms Q3206H, Q3236H, Q3203H.
Identifiers: ClinVar variation 2823216 (VCV002823216.3), dbSNP rs953097036, ClinGen allele CA382821157.
Genomic context (GRCh38, chr11:118,505,510, plus strand): 5'-CCTGCTTATTGGGGTTCAGCCTCCTCCGGATCCCCAACTTTTGGTTTCAGAATCCAGCCA[G>T]AGGACAGACCTCAGTACCACAGTAGCCACTCCATCCTCTGGACTCAAGAAAAGACCCATA-3'
Protein context (NP_001184033.1, residues 3196-3216): DPQLLVSESS[Gln3206His]RTDLSTTVAT

ClinVar aggregate classification (germline): Uncertain significance (1 of 4 stars; one submission).

Submission:

Labcorp Genetics (formerly Invitae), Labcorp
Classification: Uncertain significance. Last evaluated: 2022-12-22. Review status: criteria provided, single submitter. Criteria: Invitae Variant Classification Sherloc (09022015). Collection method: clinical testing. Allele origin: germline.
Comment: Advanced modeling of protein sequence and biophysical properties (such as structural, functional, and spatial information, amino acid conservation, physicochemical variation, residue mobility, and thermodynamic stability) performed at Invitae indicates that this missense variant is not expected to disrupt KMT2A protein function. This variant has not been reported in the literature in individuals affected with KMT2A-related conditions. This variant is not present in population databases (gnomAD no frequency). This sequence change replaces glutamine, which is neutral and polar, with histidine, which is basic and polar, at codon 3206 of the KMT2A protein (p.Gln3206His). In summary, the available evidence is currently insufficient to determine the role of this variant in disease. Therefore, it has been classified as a Variant of Uncertain Significance.